The following is an entry in ClinVar:

NM_006514.4(SCN10A):c.4513A>G (p.Thr1505Ala)

Gene: SCN10A (sodium voltage-gated channel alpha subunit 10; minus strand). Cytogenetic location: 3p22.2.
Variant type: single nucleotide variant.
Coding change: c.4513A>G on transcript NM_006514.4 (MANE Select); coding-DNA position 4513, A replaced by G.
Protein change: p.Thr1505Ala; replaces threonine 1505 with alanine.
Molecular consequence: missense variant.
Genome position (GRCh38, 1-based): chr3:38,701,983, T>C on the plus strand (A>G on the coding strand, the complement: SCN10A is on the minus strand). VCF-style: chr3-38701983-T-C. GRCh37 (hg19) VCF-style: chr3-38743474-T-C.
Other names: c.4510A>G, p.Thr1504Ala (NM_001293306.2); c.4219A>G, p.Thr1407Ala (NM_001293307.2); short protein forms T1505A, T1407A, T1504A.
Identifiers: ClinVar variation 1741144 (VCV001741144.2), dbSNP rs2470565175, ClinGen allele CA352146395.
Genomic context (GRCh38, chr3:38,701,983, plus strand): 5'-TGACACATTCGCCTGTGAAGACGGCCACAAAGAACTGGTTGATTTTGCCCAGAATTTTCG[T>C]CTTTTCTTCACTTTGGTCATCAGTCTCCACCATCATGGTGATCATGTTGAGGCAGATGAG-3'
Protein context (NP_006505.4, residues 1495-1515): VETDDQSEEK[Thr1505Ala]KILGKINQFF

ClinVar aggregate classification (germline): Uncertain significance (1 of 4 stars; one submission).

Conditions:
Cardiovascular phenotype. Identifiers: MedGen CN230736.

Allele frequency attached by ClinVar (database versions not stated): gnomAD exomes below 0.00001.
gnomAD v4.1: 1 of 1,614,206 alleles (0.000062%); highest among the groups gnomAD compares: Non-Finnish European, 0.000085%; no homozygotes.

Submission:

Ambry Genetics
Classification: Uncertain significance for Cardiovascular phenotype. Last evaluated: 2020-03-25. Review status: criteria provided, single submitter. Criteria: Ambry Variant Classification Scheme 2023. Collection method: clinical testing. Allele origin: germline.
Comment: The p.T1505A variant (also known as c.4513A>G), located in coding exon 26 of the SCN10A gene, results from an A to G substitution at nucleotide position 4513. The threonine at codon 1505 is replaced by alanine, an amino acid with similar properties. This amino acid position is not well conserved in available vertebrate species. In addition, this alteration is predicted to be tolerated by in silico analysis. Since supporting evidence is limited at this time, the clinical significance of this alteration remains unclear.

Literature cited by the submitters: PubMed 28078312.